The following is an entry in ClinVar:

ClinVar aggregate classification (germline): Conflicting classifications of pathogenicity. Review status: criteria provided, conflicting classifications (1 of 4 stars). 3 submissions from 3 submitters: Uncertain significance (1); Likely benign (2). Last evaluated 2025-04-01.

Conditions:
Early-infantile DEE. Also called: Early infantile epileptic encephalopathy; Ohtahara syndrome; Early infantile epileptic encephalopathy with suppression bursts. Identifiers: Orphanet 1934, MedGen C0393706, MONDO:0800491.
Inborn genetic diseases. Identifiers: MedGen C0950123, MeSH D030342.

Allele frequency attached by ClinVar (database versions not stated): gnomAD exomes 0.00001 and 0.00005; gnomAD 0.00003; TOPMed 0.00003.
gnomAD v4.1: 81 of 1,614,126 alleles (0.005%); highest among the groups gnomAD compares: Non-Finnish European, 0.0058%; no homozygotes.

Submissions (3):

CeGaT Center for Human Genetics Tuebingen
Classification: Likely benign. Last evaluated: 2025-04-01. Review status: criteria provided, single submitter. Criteria: CeGaT Center For Human Genetics Tuebingen Variant Classification Criteria Version 2. Collection method: clinical testing. Allele origin: germline. Affected: yes. Observed: 1 variant allele.
Comment: SPTAN1: BS2

Labcorp Genetics (formerly Invitae), Labcorp
Classification: Likely benign for Early-infantile DEE. Last evaluated: 2024-12-03. Review status: criteria provided, single submitter. Criteria: Invitae Variant Classification Sherloc (09022015). Collection method: clinical testing. Allele origin: germline.

Ambry Genetics
Classification: Uncertain significance for Inborn genetic diseases. Last evaluated: 2017-12-22. Review status: criteria provided, single submitter. Criteria: Ambry Variant Classification Scheme 2023. Collection method: clinical testing. Allele origin: germline.
Comment: The p.Y706C variant (also known as c.2117A>G), located in coding exon 15 of the SPTAN1 gene, results from an A to G substitution at nucleotide position 2117. The tyrosine at codon 706 is replaced by cysteine, an amino acid with highly dissimilar properties. This amino acid position is highly conserved in available vertebrate species. In addition, this alteration is predicted to be tolerated by in silico analysis. Since supporting evidence is limited at this time, the clinical significance of this alteration remains unclear.

NM_001130438.3(SPTAN1):c.2117A>G (p.Tyr706Cys)

Gene: SPTAN1 (spectrin alpha, non-erythrocytic 1; plus strand). Cytogenetic location: 9q34.11.
Variant type: single nucleotide variant.
Coding change: c.2117A>G on transcript NM_001130438.3 (MANE Select); coding-DNA position 2117, A replaced by G.
Protein change: p.Tyr706Cys; replaces tyrosine 706 with cysteine.
Molecular consequence: missense variant.
Genome position (GRCh38, 1-based): chr9:128,583,893, A>G. VCF-style: chr9-128583893-A-G. GRCh37 (hg19) VCF-style: chr9-131346172-A-G.
Other names: c.2117A>G, p.Tyr706Cys (NM_001195532.2, NM_001363759.2, NM_001363765.2 and 5 more transcripts); c.2153A>G, p.Tyr718Cys (NM_001375312.2, NM_001375318.1); short protein forms Y706C, Y718C.
Identifiers: ClinVar variation 833939 (VCV000833939.19), dbSNP rs1473149290, ClinGen allele CA375056281.